The following is an entry in ClinVar:

ClinVar aggregate classification (germline): Uncertain significance (1 of 4 stars; one submission).

Conditions:
Fanconi anemia (FA). Also called: Fanconi's anemia. Identifiers: Orphanet 84, MedGen C0015625, MeSH D005199, MONDO:0019391.

Submission:

Labcorp Genetics (formerly Invitae), Labcorp
Classification: Uncertain significance for Fanconi anemia. Last evaluated: 2022-11-15. Review status: criteria provided, single submitter. Criteria: Invitae Variant Classification Sherloc (09022015). Collection method: clinical testing. Allele origin: germline.
Comment: In summary, the available evidence is currently insufficient to determine the role of this variant in disease. Therefore, it has been classified as a Variant of Uncertain Significance. Advanced modeling of protein sequence and biophysical properties (such as structural, functional, and spatial information, amino acid conservation, physicochemical variation, residue mobility, and thermodynamic stability) performed at Invitae indicates that this missense variant is not expected to disrupt FANCB protein function. This variant has not been reported in the literature in individuals affected with FANCB-related conditions. This variant is not present in population databases (gnomAD no frequency). This sequence change replaces leucine, which is neutral and non-polar, with methionine, which is neutral and non-polar, at codon 398 of the FANCB protein (p.Leu398Met).

NM_001018113.3(FANCB):c.1192C>A (p.Leu398Met)

Gene: FANCB (FA complementation group B; minus strand). Cytogenetic location: Xp22.2.
Variant type: single nucleotide variant.
Coding change: c.1192C>A on transcript NM_001018113.3 (MANE Select); coding-DNA position 1192, C replaced by A.
Protein change: p.Leu398Met; replaces leucine 398 with methionine.
Molecular consequence: missense variant.
Genome position (GRCh38, 1-based): chrX:14,857,867, G>T on the plus strand (C>A on the coding strand, the complement: FANCB is on the minus strand). VCF-style: chrX-14857867-G-T. GRCh37 (hg19) VCF-style: chrX-14875989-G-T.
Other names: c.1192C>A, p.Leu398Met (NM_001324162.2, NM_001410764.1, NM_152633.4); short protein forms L398M.
Identifiers: ClinVar variation 2022256 (VCV002022256.4), dbSNP rs2518988247, ClinGen allele CA412442772.